The following is an entry in ClinVar:

NM_000435.3(NOTCH3):c.4899G>C (p.Pro1633=)

Gene: NOTCH3 (notch receptor 3; minus strand). Cytogenetic location: 19p13.12.
Variant type: single nucleotide variant.
Coding change: c.4899G>C on transcript NM_000435.3 (MANE Select); coding-DNA position 4899, G replaced by C.
Protein change: p.Pro1633=; no amino-acid change (proline 1633 retained).
Molecular consequence: synonymous variant.
Genome position (GRCh38, 1-based): chr19:15,170,546, C>G on the plus strand (G>C on the coding strand, the complement: NOTCH3 is on the minus strand). VCF-style: chr19-15170546-C-G. GRCh37 (hg19) VCF-style: chr19-15281357-C-G.
Other names: c.4899G>C (NM_000435.2).
Identifiers: ClinVar variation 2416629 (VCV002416629.8), dbSNP rs200797732, ClinGen allele CA9262784.

ClinVar aggregate classification (germline): Benign. Review status: criteria provided, multiple submitters, no conflicts (2 of 4 stars). 2 submissions from 2 submitters: Benign (2). Last evaluated 2025-09-10.

Allele frequency attached by ClinVar (database versions not stated): 1000 Genomes Project 0.00040; 1000 Genomes Project 30x 0.00047.
gnomAD v4.1: 86 of 1,608,788 alleles (0.0053%); highest among the groups gnomAD compares: East Asian, 0.13%; no homozygotes.

Submissions (2):

Labcorp Genetics (formerly Invitae), Labcorp
Classification: Benign. Last evaluated: 2025-09-10. Review status: criteria provided, single submitter. Criteria: Invitae Variant Classification Sherloc (09022015). Collection method: clinical testing. Allele origin: germline.

Athena Diagnostics
Classification: Benign. Last evaluated: 2024-12-31. Review status: criteria provided, single submitter. Criteria: Athena Diagnostics Criteria. Collection method: clinical testing. Allele origin: unknown.
Comment: The frequency of this variant in the general population is higher than would generally be expected for pathogenic variants in this gene. Computational tools yielded predictions that this variant is unlikely to have an effect on normal RNA splicing. This nucleotide position exhibits low evolutionary conservation.